The following is an entry in ClinVar:

NM_000722.4(CACNA2D1):c.2642C>G (p.Ala881Gly)

Gene: CACNA2D1 (calcium voltage-gated channel auxiliary subunit alpha2delta 1; minus strand). Cytogenetic location: 7q21.11.
Variant type: single nucleotide variant.
Coding change: c.2642C>G on transcript NM_000722.4 (MANE Select); coding-DNA position 2642, C replaced by G.
Protein change: p.Ala881Gly; replaces alanine 881 with glycine.
Molecular consequence: missense variant.
Genome position (GRCh38, 1-based): chr7:81,964,292, G>C on the plus strand (C>G on the coding strand, the complement: CACNA2D1 is on the minus strand). VCF-style: chr7-81964292-G-C. GRCh37 (hg19) VCF-style: chr7-81593608-G-C.
Other names: c.2678C>G, p.Ala893Gly (NM_001366867.1); short protein forms A893G, A881G.
Identifiers: ClinVar variation 1794207 (VCV001794207.4), dbSNP rs1276364854, ClinGen allele CA367885358.

ClinVar aggregate classification (germline): Uncertain significance. Review status: criteria provided, multiple submitters, no conflicts (2 of 4 stars). 2 submissions from 2 submitters: Uncertain significance (2). Last evaluated 2026-01-04.

Conditions:
Cardiovascular phenotype. Identifiers: MedGen CN230736.
Brugada syndrome. Also called: Sudden Unexplained Death Syndrome; Sudden Unexplained Nocturnal Death Syndrome (SUNDS); Sudden unexpected nocturnal death syndrome; Sudden unexplained nocturnal death syndrome. Identifiers: Orphanet 130, MedGen C1142166, MONDO:0015263.

Allele frequency attached by ClinVar (database versions not stated): gnomAD 0.00001; TOPMed 0.00002; gnomAD exomes 0.00001.
gnomAD v4.1: 12 of 1,611,964 alleles (0.00074%); highest among the groups gnomAD compares: Non-Finnish European, 0.00076%; no homozygotes.

Submissions (2):

Labcorp Genetics (formerly Invitae), Labcorp
Classification: Uncertain significance for Brugada syndrome. Last evaluated: 2026-01-04. Review status: criteria provided, single submitter. Criteria: Invitae Variant Classification Sherloc (09022015). Collection method: clinical testing. Allele origin: germline.
Comment: This sequence change replaces alanine, which is neutral and non-polar, with glycine, which is neutral and non-polar, at codon 881 of the CACNA2D1 protein (p.Ala881Gly). This variant is present in population databases (no rsID available, gnomAD 0.0009%). This variant has not been reported in the literature in individuals affected with CACNA2D1-related conditions. ClinVar contains an entry for this variant (Variation ID: 1794207). An algorithm developed to predict the effect of missense changes on protein structure and function (PolyPhen-2) suggests that this variant is likely to be tolerated. In summary, the available evidence is currently insufficient to determine the role of this variant in disease. Therefore, it has been classified as a Variant of Uncertain Significance.

Ambry Genetics
Classification: Uncertain significance for Cardiovascular phenotype. Last evaluated: 2025-08-27. Review status: criteria provided, single submitter. Criteria: Ambry Variant Classification Scheme 2023. Collection method: clinical testing. Allele origin: germline.